The following is an entry in ClinVar:

ClinVar aggregate classification (germline): Likely benign (1 of 4 stars; one submission).

Conditions:
PKD1-related disorder. Also called: PKD1-related condition.

gnomAD v4.1: 10 of 1,606,960 alleles (0.00062%); highest among the groups gnomAD compares: Admixed American, 0.0017%; no homozygotes.

Submission:

PreventionGenetics, part of Exact Sciences
Classification: Likely benign for PKD1-related condition. Last evaluated: 2025-09-18. Review status: criteria provided, single submitter. Criteria: ACMG Guidelines, 2015. Collection method: clinical testing. Allele origin: germline.
Comment: This variant is classified as likely benign based on ACMG/AMP sequence variant interpretation guidelines (Richards et al. 2015 PMID: 25741868, with internal and published modifications).

NM_001009944.3(PKD1):c.3051C>T (p.Asn1017=)

Gene: PKD1 (polycystin 1, transient receptor potential channel interacting; minus strand). Cytogenetic location: 16p13.3.
Variant type: single nucleotide variant.
Coding change: c.3051C>T on transcript NM_001009944.3 (MANE Select); coding-DNA position 3051, C replaced by T.
Protein change: p.Asn1017=; no amino-acid change (asparagine 1017 retained).
Molecular consequence: synonymous variant.
Genome position (GRCh38, 1-based): chr16:2,112,898, G>A on the plus strand (C>T on the coding strand, the complement: PKD1 is on the minus strand). VCF-style: chr16-2112898-G-A. GRCh37 (hg19) VCF-style: chr16-2162899-G-A.
Other names: c.3051C>T, p.Asn1017= (NM_000296.4).
Identifiers: ClinVar variation 4984217 (VCV004984217.1).
Genomic context (GRCh38, chr16:2,112,898, plus strand): 5'-TAGCGTGGCATTGGGGGACAGCACGGCCGGCACTGTGGAGACCTGCAGACCCTGCATCCT[G>A]TTCATCCGCTCCACGGTTACGTTGTAGTTCACGGTGACGTTGCTCACGTGGTTGGAGGCC-3'
Protein context (NP_001009944.3, residues 1007-1027): VNYNVTVERM[Asn1017=]RMQGLQVSTV